The following is an entry in ClinVar:

ClinVar aggregate classification (germline): Uncertain significance (1 of 4 stars; one submission).

Conditions:
Nemaline myopathy 8 (NEM8). Also called: Nemaline myopathy 8, autosomal recessive. Identifiers: Orphanet 171430, MedGen C3809209, MONDO:0014138, OMIM 615348.

Allele frequency attached by ClinVar (database versions not stated): gnomAD exomes below 0.00001; TOPMed below 0.00001; ExAC 0.00001.

Submission:

Labcorp Genetics (formerly Invitae), Labcorp
Classification: Uncertain significance for Nemaline myopathy 8. Last evaluated: 2018-01-17. Review status: criteria provided, single submitter. Criteria: Invitae Variant Classification Sherloc (09022015). Collection method: clinical testing. Allele origin: germline.
Comment: In summary, the available evidence is currently insufficient to determine the role of this variant in disease. Therefore, it has been classified as a Variant of Uncertain Significance. Algorithms developed to predict the effect of missense changes on protein structure and function (SIFT, PolyPhen-2, Align-GVGD) all suggest that this variant is likely to be tolerated, but these predictions have not been confirmed by published functional studies and their clinical significance is uncertain. This variant has not been reported in the literature in individuals with KLHL40-related disease. This variant is present in population databases (rs762113138, ExAC 0.002%). This sequence change replaces methionine with isoleucine at codon 461 of the KLHL40 protein (p.Met461Ile). The methionine residue is weakly conserved and there is a small physicochemical difference between methionine and isoleucine.

NM_152393.4(KLHL40):c.1383G>C (p.Met461Ile)

Gene: KLHL40 (kelch like family member 40; plus strand). Cytogenetic location: 3p22.1.
Variant type: single nucleotide variant.
Coding change: c.1383G>C on transcript NM_152393.4 (MANE Select); coding-DNA position 1383, G replaced by C.
Protein change: p.Met461Ile; replaces methionine 461 with isoleucine.
Molecular consequence: missense variant.
Genome position (GRCh38, 1-based): chr3:42,688,679, G>C. VCF-style: chr3-42688679-G-C. GRCh37 (hg19) VCF-style: chr3-42730171-G-C.
Other names: short protein forms M461I.
Identifiers: ClinVar variation 574408 (VCV000574408.5), dbSNP rs762113138, ClinGen allele CA2336941.
Genomic context (GRCh38, chr3:42,688,679, plus strand): 5'-ATGGGGTGAATCGGACCCGCTGCCTTACGTGGTGTATGGCCACACAGTGCTCTCCCACAT[G>C]GACCTTGTCTACGTAATTGGCGGCAAAGGCAGTGACAGGTGAGGCTGGGCCTGGAGTGAG-3'
Protein context (NP_689606.2, residues 451-471): VVYGHTVLSH[Met461Ile]DLVYVIGGKG